The following is an entry in ClinVar:

ClinVar aggregate classification (germline): Pathogenic (1 of 4 stars; one submission).

Conditions:
Early-infantile DEE. Also called: Ohtahara syndrome; Early infantile epileptic encephalopathy with suppression bursts; Early infantile epileptic encephalopathy. Identifiers: Orphanet 1934, MedGen C0393706, MONDO:0800491.

Submission:

Labcorp Genetics (formerly Invitae), Labcorp
Classification: Pathogenic for Early-infantile DEE. Last evaluated: 2025-01-23. Review status: criteria provided, single submitter. Criteria: Invitae Variant Classification Sherloc (09022015). Collection method: clinical testing. Allele origin: germline.
Comment: This sequence change creates a premature translational stop signal (p.Leu580Trpfs*5) in the CACNA2D2 gene. It is expected to result in an absent or disrupted protein product. Loss-of-function variants in CACNA2D2 are known to be pathogenic (PMID: 24358150). This variant is not present in population databases (gnomAD no frequency). This variant has not been reported in the literature in individuals affected with CACNA2D2-related conditions. For these reasons, this variant has been classified as Pathogenic.

Literature cited by the submitters: PubMed 24358150.

NM_006030.4(CACNA2D2):c.1738del (p.Leu580fs)

Gene: CACNA2D2 (calcium voltage-gated channel auxiliary subunit alpha2delta 2; minus strand). Cytogenetic location: 3p21.31.
Variant type: Deletion.
Coding change: c.1738del on transcript NM_006030.4 (MANE Select); coding-DNA position 1738, one base deleted (C; older notation c.1738delC).
Protein change: p.Leu580fs; shifts the reading frame from leucine 580.
Molecular consequence: frameshift variant.
Genome position (GRCh38, 1-based): chr3:50,375,998, G deleted on the plus strand (C on the coding strand, the reverse complement: CACNA2D2 is on the minus strand); the first of 2 consecutive G bases (chr3:50,375,998-50,375,999); deleting either gives the same sequence. VCF-style (leftmost placement, unchanged base first): chr3-50375997-AG-A. GRCh37 (hg19) VCF-style: chr3-50413428-AG-A.
Other names: c.1738del, p.Leu580fs (NM_001005505.3, NM_001174051.3, NM_001410768.1); c.1531del, p.Leu511fs (NM_001291101.1); short protein forms L511fs, L580fs.
Identifiers: ClinVar variation 3680366 (VCV003680366.2).
Genomic context (GRCh38, chr3:50,375,997, plus strand): 5'-CACCCCTGTTCTCCTCCTCTCCTTACCTCTTCCTTGTTCTCATCCTCTAGCTCCGCATCC[AG>A]GAAGTCCAGAGTCACAGGCTCCCGGAAGTTGGTGGTCTGTTGGAGGCAGGGTGGGAAGTC-3'